The following is an entry in ClinVar:

ClinVar aggregate classification (germline): Likely benign. Review status: criteria provided, multiple submitters, no conflicts (2 of 4 stars). 3 submissions from 3 submitters: Likely benign (3). Last evaluated 2025-11-01.

Conditions:
Epilepsy, progressive myoclonic, 1B. Also called: PME. Identifiers: Orphanet 308, MedGen C2676254, MONDO:0012904, OMIM 612437.

Allele frequency attached by ClinVar (database versions not stated): ExAC 0.00002; gnomAD 0.00002; gnomAD exomes 0.00002; TOPMed 0.00002.
gnomAD v4.1: 32 of 1,613,396 alleles (0.002%); highest among the groups gnomAD compares: Middle Eastern, 0.016%; no homozygotes.

Submissions (3):

CeGaT Center for Human Genetics Tuebingen
Classification: Likely benign. Last evaluated: 2025-11-01. Review status: criteria provided, single submitter. Criteria: CeGaT Center For Human Genetics Tuebingen Variant Classification Criteria Version 2. Collection method: clinical testing. Allele origin: germline. Affected: yes. Observed: 1 variant allele.
Comment: PRICKLE1: BP4, BP7

Labcorp Genetics (formerly Invitae), Labcorp
Classification: Likely benign for Epilepsy, progressive myoclonic, 1B. Last evaluated: 2024-05-14. Review status: criteria provided, single submitter. Criteria: Invitae Variant Classification Sherloc (09022015). Collection method: clinical testing. Allele origin: germline.

GeneDx
Classification: Likely benign. Last evaluated: 2018-01-03. Review status: criteria provided, single submitter. Criteria: GeneDx Variant Classification (06012015). Collection method: clinical testing. Allele origin: germline. Affected: yes.
Comment: This variant is considered likely benign or benign based on one or more of the following criteria: it is a conservative change, it occurs at a poorly conserved position in the protein, it is predicted to be benign by multiple in silico algorithms, and/or has population frequency not consistent with disease.

NM_153026.3(PRICKLE1):c.819C>T (p.His273=)

Genes: PRICKLE1 (prickle planar cell polarity protein 1; minus strand), LOC126861509 (BRD4-independent group 4 enhancer GRCh37_chr12:42858567-42859766; plus strand). Cytogenetic location: 12q12.
Variant type: single nucleotide variant.
Coding change: c.819C>T on transcript NM_153026.3 (MANE Select); coding-DNA position 819, C replaced by T.
Protein change: p.His273=; no amino-acid change (histidine 273 retained).
Molecular consequence: synonymous variant.
Genome position (GRCh38, 1-based): chr12:42,465,215, G>A on the plus strand (C>T on the coding strand, the complement: PRICKLE1 is on the minus strand). VCF-style: chr12-42465215-G-A. GRCh37 (hg19) VCF-style: chr12-42859017-G-A.
Other names: c.819C>T, p.His273= (NM_001144881.2, NM_001144882.2, NM_001144883.2).
Identifiers: ClinVar variation 386553 (VCV000386553.17), dbSNP rs763656364, ClinGen allele CA6519825.
Genomic context (GRCh38, chr12:42,465,215, plus strand): 5'-GAAGGGACATCCCAACAAAGAGGCTTTACACTGGGCACAAGAAAAGCAGGCTTCCGTGGC[G>A]TGCCAGTGCTGCCCGTCATAGGTCATCTGTGCATGGTCCACACCTGTTTTGAAAAGGATA-3'
Protein context (NP_694571.2, residues 263-283): AQMTYDGQHW[His273=]ATEACFSCAQ